The following is an entry in ClinVar:

ClinVar aggregate classification (germline): Likely benign (1 of 4 stars; one submission).

Allele frequency attached by ClinVar (database versions not stated): 1000 Genomes Project 30x 0.00031; 1000 Genomes Project 0.00040; ESP Exome Variant Server 0.00177; TOPMed 0.00177; gnomAD 0.00196; ExAC 0.00221; gnomAD exomes 0.00249.
gnomAD v4.1: 3,854 of 1,593,854 alleles (0.24%); highest among the groups gnomAD compares: Non-Finnish European, 0.29%; 12 homozygotes.

Submission:

CeGaT Center for Human Genetics Tuebingen
Classification: Likely benign. Last evaluated: 2022-03-01. Review status: criteria provided, single submitter. Criteria: CeGaT Center For Human Genetics Tuebingen Variant Classification Criteria Version 2. Collection method: clinical testing. Allele origin: germline. Affected: yes. Observed: 1 variant allele.
Comment: TMEM220: BP4, BP7

NM_001004313.3(TMEM220):c.373T>C (p.Leu125=)

Gene: TMEM220 (transmembrane protein 220; minus strand). Cytogenetic location: 17p13.1.
Variant type: single nucleotide variant.
Coding change: c.373T>C on transcript NM_001004313.3 (MANE Select); coding-DNA position 373, T replaced by C.
Protein change: p.Leu125=; no amino-acid change (leucine 125 retained).
Molecular consequence: synonymous variant. On other transcripts: intron variant (1).
Genome position (GRCh38, 1-based): chr17:10,715,563, A>G on the plus strand (T>C on the coding strand, the complement: TMEM220 is on the minus strand). VCF-style: chr17-10715563-A-G. GRCh37 (hg19) VCF-style: chr17-10618880-A-G.
Other names: c.343T>C, p.Leu115= (NM_001330139.3); c.283T>C, p.Leu95= (NM_001330140.3); c.318-2296T>C (NM_001359647.2).
Identifiers: ClinVar variation 2647483 (VCV002647483.24), dbSNP rs147529920, ClinGen allele CA8393982.
Genomic context (GRCh38, chr17:10,715,563, plus strand): 5'-TAATATATATGTAGACCCATGAGATAAATGGGAAAAGTGTGATTACAATGGCAATAGCCA[A>G]TTGAATTCTTCCACCAACTGGATTCCTATAAAGACACAAAAATTATTATAAATAAAAATC-3'
Protein context (NP_001004313.1, residues 115-135): SKNPVGGRIQ[Leu125=]AIAIVITLFP